The following is an entry in ClinVar:

NM_000140.5(FECH):c.805-1G>C

Gene: FECH (ferrochelatase; minus strand). Cytogenetic location: 18q21.31.
Variant type: single nucleotide variant.
Coding change: c.805-1G>C on transcript NM_000140.5 (MANE Select); the canonical splice acceptor site of the intron before coding-DNA position 805, G replaced by C.
Molecular consequence: splice acceptor variant.
Genome position (GRCh38, 1-based): chr18:57,554,953, C>G on the plus strand (G>C on the coding strand, the complement: FECH is on the minus strand). VCF-style: chr18-57554953-C-G. GRCh37 (hg19) VCF-style: chr18-55222185-C-G.
Other names: c.706-1G>C (NM_001371094.1); c.805-1G>C (NM_001374778.1); c.823-1G>C (NM_001012515.4); c.589-1G>C (NM_001371095.1).
Identifiers: ClinVar variation 4997075 (VCV004997075.1).

ClinVar aggregate classification (germline): Pathogenic (1 of 4 stars; one submission).

Conditions:
FECH-related disorder. Also called: FECH-related condition.

Submission:

PreventionGenetics, part of Exact Sciences
Classification: Pathogenic for FECH-related condition. Last evaluated: 2026-04-20. Review status: criteria provided, single submitter. Criteria: ACMG Guidelines, 2015. Collection method: clinical testing. Allele origin: germline.
Comment: The FECH c.805-1G>C variant is predicted to disrupt the AG splice acceptor site and interfere with normal splicing. This variant, described as IVS7-1G>C using legacy nomenclature, was reported in the compound heterozygous state in an individual with erythropoietic protoporphyria (Balwani et al. 2013. PubMed ID: 23364466). This variant has not been reported in a large population database (gnomAD), indicating this variant is rare. Variants that disrupt the consensus splice acceptor site in FECH are expected to be pathogenic. This variant is interpreted as pathogenic.